The following is an entry in ClinVar:

ClinVar aggregate classification (germline): Pathogenic (1 of 4 stars; one submission).

Conditions:
Cohen syndrome (COH1). Also called: PEPPER SYNDROME; Cutis verticis gyrata, retinitis pigmentosa, and sensorineural deafness. Identifiers: Orphanet 193, MedGen C0265223, MONDO:0008999, OMIM 216550.

Submission:

Labcorp Genetics (formerly Invitae), Labcorp
Classification: Pathogenic for Cohen syndrome. Last evaluated: 2021-12-09. Review status: criteria provided, single submitter. Criteria: Invitae Variant Classification Sherloc (09022015). Collection method: clinical testing. Allele origin: germline.
Comment: For these reasons, this variant has been classified as Pathogenic. This variant disrupts a region of the VPS13B protein in which other variant(s) (p.Pro3969Leufs*41) have been determined to be pathogenic (PMID: 15141358; Invitae; external communication). This suggests that this is a clinically significant region of the protein, and that variants that disrupt it are likely to be disease-causing. This variant has not been reported in the literature in individuals affected with VPS13B-related conditions. This variant is not present in population databases (gnomAD no frequency). This sequence change creates a premature translational stop signal (p.Ser3901Argfs*40) in the VPS13B gene. While this is not anticipated to result in nonsense mediated decay, it is expected to disrupt the last 122 amino acid(s) of the VPS13B protein.

Literature cited by the submitters: PubMed 15141358.

NM_152564.5(VPS13B):c.11625_11628del (p.Ser3876fs)

Gene: VPS13B (vacuolar protein sorting 13 homolog B; plus strand). Cytogenetic location: 8q22.2.
Variant type: Deletion.
Coding change: c.11625_11628del on transcript NM_152564.5 (MANE Select); coding-DNA positions 11625 to 11628, 4 bases deleted (CAGT; older notation c.11625_11628delCAGT).
Protein change: p.Ser3876fs; shifts the reading frame from serine 3876.
Molecular consequence: frameshift variant.
Genome position (GRCh38, 1-based): chr8:99,871,577-99,871,580, CAGT deleted; deleting any 4 consecutive bases within chr8:99,871,575-99,871,580 gives the same sequence; the c. name uses the placement nearest the transcript's 3' end. VCF-style (leftmost placement, unchanged base first): chr8-99871574-TGTCA-T. GRCh37 (hg19) VCF-style: chr8-100883802-TGTCA-T.
Other names: c.11700_11703del, p.Ser3901fs (NM_017890.5); short protein forms S3876fs, S3901fs.
Identifiers: ClinVar variation 1402409 (VCV001402409.6), dbSNP rs2130975687, ClinGen allele CA2573143510.